The following is an entry in ClinVar:

ClinVar aggregate classification (germline): Uncertain significance (1 of 4 stars; one submission).

Conditions:
Cone-rod dystrophy 6 (CORD6). Also called: Cone dystrophy progressive; RETINAL CONE DYSTROPHY 2. Identifiers: Orphanet 1872, MedGen C1866293, MONDO:0011143, OMIM 601777.
Leber congenital amaurosis 1 (LCA1). Also called: Congenital absence of the rods and cones; Leber's congenital tapetoretinal degeneration; Leber's congenital tapetoretinal dysplasia; RETINAL BLINDNESS, CONGENITAL; AMAUROSIS CONGENITA OF LEBER I. Identifiers: Orphanet 65, MedGen C2931258, MONDO:0008764, OMIM 204000.

Submission:

Labcorp Genetics (formerly Invitae), Labcorp
Classification: Uncertain significance for Leber congenital amaurosis 1; Cone-rod dystrophy 6. Last evaluated: 2022-09-13. Review status: criteria provided, single submitter. Criteria: Invitae Variant Classification Sherloc (09022015). Collection method: clinical testing. Allele origin: germline.
Comment: This sequence change replaces cysteine, which is neutral and slightly polar, with tyrosine, which is neutral and polar, at codon 780 of the GUCY2D protein (p.Cys780Tyr). This variant is not present in population databases (gnomAD no frequency). This variant has not been reported in the literature in individuals affected with GUCY2D-related conditions. ClinVar contains an entry for this variant (Variation ID: 1355847). Advanced modeling of protein sequence and biophysical properties (such as structural, functional, and spatial information, amino acid conservation, physicochemical variation, residue mobility, and thermodynamic stability) performed at Invitae indicates that this missense variant is not expected to disrupt GUCY2D protein function. In summary, the available evidence is currently insufficient to determine the role of this variant in disease. Therefore, it has been classified as a Variant of Uncertain Significance.

NM_000180.4(GUCY2D):c.2339G>A (p.Cys780Tyr)

Gene: GUCY2D (guanylate cyclase 2D, retinal; plus strand). Cytogenetic location: 17p13.1.
Variant type: single nucleotide variant.
Coding change: c.2339G>A on transcript NM_000180.4 (MANE Select); coding-DNA position 2339, G replaced by A.
Protein change: p.Cys780Tyr; replaces cysteine 780 with tyrosine.
Molecular consequence: missense variant.
Genome position (GRCh38, 1-based): chr17:8,013,955, G>A. VCF-style: chr17-8013955-G-A. GRCh37 (hg19) VCF-style: chr17-7917273-G-A.
Other names: short protein forms C780Y.
Identifiers: ClinVar variation 1355847 (VCV001355847.6), dbSNP rs1187359735, ClinGen allele CA397953206.